The following is an entry in ClinVar:

ClinVar aggregate classification (germline): Likely benign. Review status: criteria provided, multiple submitters, no conflicts (2 of 4 stars). 2 submissions from 2 submitters: Likely benign (2). Last evaluated 2025-11-18.

Allele frequency attached by ClinVar (database versions not stated): gnomAD 0.00003; gnomAD exomes 0.00004 and 0.00007; TOPMed 0.00005; ExAC 0.00007.
gnomAD v4.1: 101 of 1,593,252 alleles (0.0063%); highest among the groups gnomAD compares: Middle Eastern, 0.019%; no homozygotes.

Submissions (2):

Labcorp Genetics (formerly Invitae), Labcorp
Classification: Likely benign. Last evaluated: 2025-11-18. Review status: criteria provided, single submitter. Criteria: Invitae Variant Classification Sherloc (09022015). Collection method: clinical testing. Allele origin: germline.

CeGaT Center for Human Genetics Tuebingen
Classification: Likely benign. Last evaluated: 2025-02-01. Review status: criteria provided, single submitter. Criteria: CeGaT Center For Human Genetics Tuebingen Variant Classification Criteria Version 2. Collection method: clinical testing. Allele origin: germline. Affected: yes. Observed: 1 variant allele.
Comment: COL18A1: BP4, BP7

NM_001379500.1(COL18A1):c.3027C>T (p.Pro1009=)

Genes: COL18A1 (collagen type XVIII alpha 1 chain; plus strand), SLC19A1 (solute carrier family 19 member 1; minus strand). Cytogenetic location: 21q22.3.
Variant type: single nucleotide variant.
Coding change: c.3027C>T on transcript NM_001379500.1 (MANE Select); coding-DNA position 3027, C replaced by T.
Protein change: p.Pro1009=; no amino-acid change (proline 1009 retained).
Molecular consequence: synonymous variant.
Genome position (GRCh38, 1-based): chr21:45,505,371, C>T. VCF-style: chr21-45505371-C-T. GRCh37 (hg19) VCF-style: chr21-46925285-C-T.
Other names: c.3558C>T, p.Pro1186= (NM_030582.4); c.4263C>T, p.Pro1421= (NM_130444.3).
Identifiers: ClinVar variation 1584141 (VCV001584141.21), dbSNP rs745596998, ClinGen allele CA10067642.